The following is an entry in ClinVar:

NM_020937.4(FANCM):c.5066C>T (p.Ala1689Val)

Gene: FANCM (FA complementation group M; plus strand). Cytogenetic location: 14q21.2.
Variant type: single nucleotide variant.
Coding change: c.5066C>T on transcript NM_020937.4 (MANE Select); coding-DNA position 5066, C replaced by T.
Protein change: p.Ala1689Val; replaces alanine 1689 with valine.
Molecular consequence: missense variant.
Genome position (GRCh38, 1-based): chr14:45,189,088, C>T. VCF-style: chr14-45189088-C-T. GRCh37 (hg19) VCF-style: chr14-45658291-C-T.
Other names: c.4988C>T, p.Ala1663Val (NM_001308133.2); c.5066C>T (NM_020937.2, NM_020937.3); short protein forms A1689V, A1663V.
Identifiers: ClinVar variation 1361430 (VCV001361430.11), dbSNP rs759068569, ClinGen allele CA7169898.

ClinVar aggregate classification (germline): Conflicting classifications of pathogenicity. Review status: criteria provided, conflicting classifications (1 of 4 stars). 5 submissions from 5 submitters: Uncertain significance (4); Likely benign (1). Last evaluated 2025-01-03.

Conditions:
Spermatogenic failure 28. Identifiers: MedGen C4748117, MONDO:0054732, OMIM 618086.
Premature ovarian failure 15. Identifiers: MedGen C4748170, MONDO:0054862, OMIM 618096.
Fanconi anemia (FA). Also called: Fanconi's anemia. Identifiers: Orphanet 84, MedGen C0015625, MeSH D005199, MONDO:0019391.
Inborn genetic diseases. Identifiers: MedGen C0950123, MeSH D030342.

Allele frequency attached by ClinVar (database versions not stated): TOPMed 0.00002; ExAC 0.00001; gnomAD 0.00002.
gnomAD v4.1: 14 of 1,613,922 alleles (0.00087%); highest among the groups gnomAD compares: South Asian, 0.0022%; no homozygotes.

Submissions (5):

Ambry Genetics
Classification: Likely benign for Inborn genetic diseases. Last evaluated: 2025-01-03. Review status: criteria provided, single submitter. Criteria: Ambry Variant Classification Scheme 2023. Collection method: clinical testing. Allele origin: germline.

Labcorp Genetics (formerly Invitae), Labcorp
Classification: Uncertain significance for Fanconi anemia. Last evaluated: 2023-10-27. Review status: criteria provided, single submitter. Criteria: Invitae Variant Classification Sherloc (09022015). Collection method: clinical testing. Allele origin: germline.
Comment: This sequence change replaces alanine, which is neutral and non-polar, with valine, which is neutral and non-polar, at codon 1689 of the FANCM protein (p.Ala1689Val). This variant is present in population databases (rs759068569, gnomAD 0.003%). This variant has not been reported in the literature in individuals affected with FANCM-related conditions. ClinVar contains an entry for this variant (Variation ID: 1361430). Algorithms developed to predict the effect of missense changes on protein structure and function output the following: SIFT: "Not Available"; PolyPhen-2: "Benign"; Align-GVGD: "Not Available". The valine amino acid residue is found in multiple mammalian species, which suggests that this missense change does not adversely affect protein function. In summary, the available evidence is currently insufficient to determine the role of this variant in disease. Therefore, it has been classified as a Variant of Uncertain Significance.

GeneDx
Classification: Uncertain significance. Last evaluated: 2023-10-04. Review status: criteria provided, single submitter. Criteria: GeneDx Variant Classification Process June 2021. Collection method: clinical testing. Allele origin: germline. Affected: yes.
Comment: Not observed at significant frequency in large population cohorts (gnomAD); In silico analysis supports that this missense variant does not alter protein structure/function; Has not been previously published as pathogenic or benign to our knowledge

Quest Diagnostics Nichols Institute San Juan Capistrano
Classification: Uncertain significance. Last evaluated: 2022-11-16. Review status: criteria provided, single submitter. Criteria: Quest Diagnostics criteria. Collection method: clinical testing. Allele origin: unknown.
Comment: The frequency of this variant in the general population, 0.000011 (3/282524 chromosomes), is uninformative in assessment of its pathogenicity. In the published literature, the variant has been reported in individuals with breast cancer as well as in unaffected controls (PMID: 33471991 (2021), see also LOVD). Analysis of this variant using bioinformatics tools for the prediction of the effect of amino acid changes on protein structure and function yielded predictions that this variant is benign. Based on the available information, we are unable to determine the clinical significance of this variant.

Fulgent Genetics
Classification: Uncertain significance for Spermatogenic failure 28; Premature ovarian failure 15. Last evaluated: 2022-03-05. Review status: criteria provided, single submitter. Criteria: ACMG Guidelines, 2015. Collection method: clinical testing. Allele origin: unknown.

Literature cited by the submitters: PubMed 33471991 (cited by Quest Diagnostics Nichols Institute San Juan Capistrano).